The following is an entry in ClinVar:

ClinVar aggregate classification (germline): Uncertain significance. Review status: criteria provided, multiple submitters, no conflicts (2 of 4 stars). 2 submissions from 2 submitters: Uncertain significance (2). Last evaluated 2026-07-13.

Conditions:
Wilms tumor 1 (WT1). Also called: Wilms tumor, somatic. Identifiers: Orphanet 654, MedGen CN033288, MONDO:0008679, OMIM 194070.
11p partial monosomy syndrome (WAGR). Also called: CHROMOSOME 11p13 DELETION SYNDROME; WAGR syndrome; WAGR Complex; WAGR Spectrum Disorder. Identifiers: Orphanet 893, MedGen C0206115, MONDO:0008681, OMIM 194072.
Drash syndrome (DDS). Also called: NEPHROPATHY, WILMS TUMOR, AND GENITAL ANOMALIES; WILMS TUMOR AND PSEUDO- OR TRUE HERMAPHRODITISM. Identifiers: Orphanet 220, MedGen C0950121, MONDO:0008682, OMIM 194080.
Frasier syndrome. Identifiers: Orphanet 347, MedGen C0950122, MeSH D052159, MONDO:0007635, OMIM 136680.
Inborn genetic diseases. Identifiers: MedGen C0950123, MeSH D030342.

Submissions (2):

Ambry Genetics
Classification: Uncertain significance for Inborn genetic diseases. Last evaluated: 2026-07-13. Review status: criteria provided, single submitter. Criteria: Ambry Variant Classification Scheme 2023. Collection method: clinical testing. Allele origin: germline.

Labcorp Genetics (formerly Invitae), Labcorp
Classification: Uncertain significance for Wilms tumor 1; Drash syndrome; 11p partial monosomy syndrome; Frasier syndrome. Last evaluated: 2023-08-14. Review status: criteria provided, single submitter. Criteria: Invitae Variant Classification Sherloc (09022015). Collection method: clinical testing. Allele origin: germline.
Comment: In summary, the available evidence is currently insufficient to determine the role of this variant in disease. Therefore, it has been classified as a Variant of Uncertain Significance. Advanced modeling of protein sequence and biophysical properties (such as structural, functional, and spatial information, amino acid conservation, physicochemical variation, residue mobility, and thermodynamic stability) performed at Invitae indicates that this missense variant is not expected to disrupt WT1 protein function. This sequence change replaces proline, which is neutral and non-polar, with serine, which is neutral and polar, at codon 184 of the WT1 protein (p.Pro184Ser). This variant is not present in population databases (gnomAD no frequency). This variant has not been reported in the literature in individuals affected with WT1-related conditions. ClinVar contains an entry for this variant (Variation ID: 938217).

NM_024426.6(WT1):c.565C>T (p.Pro189Ser)

Genes: WT1 (WT1 transcription factor; minus strand), LOC107982234 (WT1/WT1-AS bi-directional promoter region; plus strand). Cytogenetic location: 11p13.
Variant type: single nucleotide variant.
Coding change: c.565C>T on transcript NM_024426.6 (MANE Select); coding-DNA position 565, C replaced by T.
Protein change: p.Pro189Ser; replaces proline 189 with serine.
Molecular consequence: missense variant. On other transcripts: non-coding transcript variant (1).
Genome position (GRCh38, 1-based): chr11:32,434,796, G>A on the plus strand (C>T on the coding strand, the complement: WT1 is on the minus strand). VCF-style: chr11-32434796-G-A. GRCh37 (hg19) VCF-style: chr11-32456342-G-A.
Other names: c.565C>T, p.Pro189Ser (NM_000378.6, NM_024424.5); short protein forms P189S.
Identifiers: ClinVar variation 938217 (VCV000938217.12), dbSNP rs1853439331, ClinGen allele CA379964648.